The following is an entry in ClinVar:

ClinVar aggregate classification (germline): Uncertain significance. Review status: criteria provided, multiple submitters, no conflicts (2 of 4 stars). 2 submissions from 2 submitters: Uncertain significance (2). Last evaluated 2025-03-09.

Conditions:
Pseudohypoparathyroidism type 1B (PHP1B). Also called: PHP IB; Pseudohypoparathyroidism Ib (PHP-Ib); Pseudohypoparathyroidism Type IB. Identifiers: Orphanet 94089, MedGen C1864100, MONDO:0011301, OMIM 603233.

gnomAD v4.1: 25 of 1,614,246 alleles (0.0015%); highest among the groups gnomAD compares: Middle Eastern, 0.016%; no homozygotes.

Submissions (2):

Labcorp Genetics (formerly Invitae), Labcorp
Classification: Uncertain significance. Last evaluated: 2025-03-09. Review status: criteria provided, single submitter. Criteria: Invitae Variant Classification Sherloc (09022015). Collection method: clinical testing. Allele origin: germline.
Comment: This sequence change replaces glutamic acid, which is acidic and polar, with lysine, which is basic and polar, at codon 117 of the STX16 protein (p.Glu117Lys). This variant is present in population databases (rs775289013, gnomAD 0.002%). This variant has not been reported in the literature in individuals affected with STX16-related conditions. ClinVar contains an entry for this variant (Variation ID: 3587545). Invitae Evidence Modeling of protein sequence and biophysical properties (such as structural, functional, and spatial information, amino acid conservation, physicochemical variation, residue mobility, and thermodynamic stability) indicates that this missense variant is not expected to disrupt STX16 protein function with a negative predictive value of 80%. In summary, the available evidence is currently insufficient to determine the role of this variant in disease. Therefore, it has been classified as a Variant of Uncertain Significance.

Fulgent Genetics
Classification: Uncertain significance for Pseudohypoparathyroidism type 1B. Last evaluated: 2024-06-12. Review status: criteria provided, single submitter. Criteria: ACMG Guidelines, 2015. Collection method: clinical testing. Allele origin: germline.

NM_001001433.3(STX16):c.349G>A (p.Glu117Lys)

Genes: STX16 (syntaxin 16; plus strand), STX16-NPEPL1 (STX16-NPEPL1 readthrough (NMD candidate); plus strand). Cytogenetic location: 20q13.32.
Variant type: single nucleotide variant.
Coding change: c.349G>A on transcript NM_001001433.3 (MANE Select); coding-DNA position 349, G replaced by A.
Protein change: p.Glu117Lys; replaces glutamic acid 117 with lysine.
Molecular consequence: missense variant. On other transcripts: non-coding transcript variant (4).
Genome position (GRCh38, 1-based): chr20:58,668,083, G>A. VCF-style: chr20-58668083-G-A. GRCh37 (hg19) VCF-style: chr20-57243139-G-A.
Other names: c.337G>A, p.Glu113Lys (NM_001134772.3); c.298G>A, p.Glu100Lys (NM_001134773.3); c.190G>A, p.Glu64Lys (NM_001204868.2); c.286G>A, p.Glu96Lys (NM_003763.6); short protein forms E113K, E117K, E100K, E64K, E96K.
Identifiers: ClinVar variation 3587545 (VCV003587545.2).